The following is an entry in ClinVar:

NM_000784.4(CYP27A1):c.878T>C (p.Met293Thr)

Gene: CYP27A1 (cytochrome P450 family 27 subfamily A member 1; plus strand). Cytogenetic location: 2q35.
Variant type: single nucleotide variant.
Coding change: c.878T>C on transcript NM_000784.4 (MANE Select); coding-DNA position 878, T replaced by C.
Protein change: p.Met293Thr; replaces methionine 293 with threonine.
Molecular consequence: missense variant.
Genome position (GRCh38, 1-based): chr2:218,812,957, T>C. VCF-style: chr2-218812957-T-C. GRCh37 (hg19) VCF-style: chr2-219677680-T-C.
Other names: short protein forms M293T.
Identifiers: ClinVar variation 1512665 (VCV001512665.3), dbSNP rs368735609, ClinGen allele CA2112753.

ClinVar aggregate classification (germline): Uncertain significance (1 of 4 stars; one submission).

Conditions:
Cholestanol storage disease (CTX). Also called: CTX: Cerebrotendinous xanthomatosis; Cerebrotendinous Xanthomatosis; CEREBRAL CHOLESTERINOSIS. Identifiers: Orphanet 909, MedGen C0238052, MONDO:0008948, OMIM 213700.

Allele frequency attached by ClinVar (database versions not stated): gnomAD exomes 0.00001 and 0.00002; ExAC 0.00002; gnomAD 0.00007; ESP Exome Variant Server 0.00008; TOPMed 0.00011.
gnomAD v4.1: 28 of 1,614,094 alleles (0.0017%); highest among the groups gnomAD compares: African/African-American, 0.027%; no homozygotes.

Submission:

Labcorp Genetics (formerly Invitae), Labcorp
Classification: Uncertain significance for Cholestanol storage disease. Last evaluated: 2022-10-17. Review status: criteria provided, single submitter. Criteria: Invitae Variant Classification Sherloc (09022015). Collection method: clinical testing. Allele origin: germline.
Comment: This sequence change replaces methionine, which is neutral and non-polar, with threonine, which is neutral and polar, at codon 293 of the CYP27A1 protein (p.Met293Thr). This variant is present in population databases (rs368735609, gnomAD 0.02%). This variant has not been reported in the literature in individuals affected with CYP27A1-related conditions. ClinVar contains an entry for this variant (Variation ID: 1512665). Advanced modeling of protein sequence and biophysical properties (such as structural, functional, and spatial information, amino acid conservation, physicochemical variation, residue mobility, and thermodynamic stability) performed at Invitae indicates that this missense variant is not expected to disrupt CYP27A1 protein function. In summary, the available evidence is currently insufficient to determine the role of this variant in disease. Therefore, it has been classified as a Variant of Uncertain Significance.